The following is an entry in ClinVar:

NM_017680.6(ASPN):c.114TGA[16] (p.Asp50_Glu51insAspAspAsp)

Genes: ASPN (asporin; minus strand), CENPP (centromere protein P; plus strand). Cytogenetic location: 9q22.31.
Variant type: Microsatellite.
Coding change: c.114TGA[16] on transcript NM_017680.6 (MANE Select); 16 copies in a row of the 3-base unit TGA starting at c.114; the reference has 14 copies in a row; two copies, 6 bases duplicated.
Protein change: p.Asp50_Glu51insAspAspAsp.
Molecular consequence: inframe insertion. On other transcripts: intron variant (2).
Genome position (GRCh38, 1-based): chr9:92,474,743-92,474,748, TCATCA duplicated on the plus strand (TGATGA on the coding strand, the reverse complement: ASPN is on the minus strand); duplicating any 6 consecutive bases within chr9:92,474,743-92,474,786 gives the same sequence; the position shown is the placement nearest the transcript's 3' end. VCF-style (leftmost placement, unchanged base first): chr9-92474742-C-CTCATCA. GRCh37 (hg19) VCF-style: chr9-95237024-C-CTCATCA.
Other names: c.114TGA[16], p.Asp50_Glu51insAspAspAsp (NM_001193335.3); c.228+94884TCA[16] (NM_001286969.1); c.564+94884TCA[16] (NM_001012267.3).
Identifiers: ClinVar variation 1237100 (VCV001237100.5), dbSNP rs3078372, ClinGen allele CA466341624.

ClinVar aggregate classification (germline): Benign (1 of 4 stars; one submission).

Submission:

GeneDx
Classification: Benign. Last evaluated: 2021-03-05. Review status: criteria provided, single submitter. Criteria: GeneDx Variant Classification Process June 2021. Collection method: clinical testing. Allele origin: germline. Affected: yes.
Comment: Reported in 3.1% of alleles of patients with developmental hip dysplasia in the Han Chinese population, but also seen in 3.4% of alleles of control samples, which was not a statistically significant difference (Shi et al., 2011); In silico analysis, which includes protein predictors and evolutionary conservation, supports that this variant does not alter protein structure/function; The D15 allele is described as a possible risk allele associated with knee osteoarthritis in the Greek population however, this finding was not statistically significant (Kaliakatsos et al., 2006); Among Han Chinese patients with ankylosing spondylitis the frequency of the D15 allele was the same as in controls (Liu et al., 2010); In-frame duplication of 2 Aspartate residues, which results in an allele with 15 Aspartate residues, or a D15 allele; This variant is associated with the following publications: (PMID: 21329514, 16377215, 20144272, 29233086)